The following is an entry in ClinVar:

NM_006831.3(CLP1):c.523G>A (p.Glu175Lys)

Gene: CLP1 (cleavage factor polyribonucleotide kinase subunit 1; plus strand). Cytogenetic location: 11q12.1.
Variant type: single nucleotide variant.
Coding change: c.523G>A on transcript NM_006831.3 (MANE Select); coding-DNA position 523, G replaced by A.
Protein change: p.Glu175Lys; replaces glutamic acid 175 with lysine.
Molecular consequence: missense variant. On other transcripts: intron variant (1).
Genome position (GRCh38, 1-based): chr11:57,659,999, G>A. VCF-style: chr11-57659999-G-A. GRCh37 (hg19) VCF-style: chr11-57427471-G-A.
Other names: c.414+109G>A (NM_001142597.2); c.523G>A (NM_006831.2); short protein forms E175K.
Identifiers: ClinVar variation 2068343 (VCV002068343.5), dbSNP rs145927880, ClinGen allele CA6008535.
Genomic context (GRCh38, chr11:57,659,999, plus strand): 5'-GGTTCTGTGTCCATCCCTGGTACCATGGGGGCCCTCTACATCGAGCGGCCTGCAGATGTC[G>A]AAGAGGGTTTCTCTATCCAGGCCCCTCTGGTGTATCATTTTGGTTCCACCACTCCTGGCA-3'
Protein context (NP_006822.1, residues 165-185): ALYIERPADV[Glu175Lys]EGFSIQAPLV

ClinVar aggregate classification (germline): Uncertain significance. Review status: criteria provided, multiple submitters, no conflicts (2 of 4 stars). 2 submissions from 2 submitters: Uncertain significance (2). Last evaluated 2025-08-21.

Conditions:
Inborn genetic diseases. Identifiers: MedGen C0950123, MeSH D030342.

gnomAD v4.1: 20 of 1,613,070 alleles (0.0012%); highest among the groups gnomAD compares: Admixed American, 0.01%; no homozygotes.

Submissions (2):

Ambry Genetics
Classification: Uncertain significance for Inborn genetic diseases. Last evaluated: 2025-08-21. Review status: criteria provided, single submitter. Criteria: Ambry Variant Classification Scheme 2023. Collection method: clinical testing. Allele origin: germline.

Labcorp Genetics (formerly Invitae), Labcorp
Classification: Uncertain significance. Last evaluated: 2022-11-01. Review status: criteria provided, single submitter. Criteria: Invitae Variant Classification Sherloc (09022015). Collection method: clinical testing. Allele origin: germline.
Comment: In summary, the available evidence is currently insufficient to determine the role of this variant in disease. Therefore, it has been classified as a Variant of Uncertain Significance. This sequence change replaces glutamic acid, which is acidic and polar, with lysine, which is basic and polar, at codon 175 of the CLP1 protein (p.Glu175Lys). This variant is present in population databases (rs145927880, gnomAD 0.009%). This variant has not been reported in the literature in individuals affected with CLP1-related conditions. Advanced modeling of protein sequence and biophysical properties (such as structural, functional, and spatial information, amino acid conservation, physicochemical variation, residue mobility, and thermodynamic stability) has been performed at Invitae for this missense variant, however the output from this modeling did not meet the statistical confidence thresholds required to predict the impact of this variant on CLP1 protein function.